The following is an entry in ClinVar:

ClinVar aggregate classification (germline): Uncertain significance (1 of 4 stars; one submission).

Allele frequency attached by ClinVar (database versions not stated): TOPMed below 0.00001; gnomAD exomes 0.00001; ExAC 0.00003.
gnomAD v4.1: 8 of 1,612,930 alleles (0.0005%); highest among the groups gnomAD compares: East Asian, 0.013%; no homozygotes.

Submission:

Labcorp Genetics (formerly Invitae), Labcorp
Classification: Uncertain significance. Last evaluated: 2022-06-20. Review status: criteria provided, single submitter. Criteria: Invitae Variant Classification Sherloc (09022015). Collection method: clinical testing. Allele origin: germline.
Comment: This variant is present in population databases (rs749266872, gnomAD 0.03%). This variant has not been reported in the literature in individuals affected with ROBO1-related conditions. Advanced modeling of protein sequence and biophysical properties (such as structural, functional, and spatial information, amino acid conservation, physicochemical variation, residue mobility, and thermodynamic stability) performed at Invitae indicates that this missense variant is expected to disrupt ROBO1 protein function. In summary, the available evidence is currently insufficient to determine the role of this variant in disease. Therefore, it has been classified as a Variant of Uncertain Significance. This sequence change replaces glycine, which is neutral and non-polar, with glutamic acid, which is acidic and polar, at codon 1147 of the ROBO1 protein (p.Gly1147Glu).

NM_002941.4(ROBO1):c.3440G>A (p.Gly1147Glu)

Gene: ROBO1 (roundabout guidance receptor 1; minus strand). Cytogenetic location: 3p12.3.
Variant type: single nucleotide variant.
Coding change: c.3440G>A on transcript NM_002941.4 (MANE Select); coding-DNA position 3440, G replaced by A.
Protein change: p.Gly1147Glu; replaces glycine 1147 with glutamic acid.
Molecular consequence: missense variant.
Genome position (GRCh38, 1-based): chr3:78,633,976, C>T on the plus strand (G>A on the coding strand, the complement: ROBO1 is on the minus strand). VCF-style: chr3-78633976-C-T. GRCh37 (hg19) VCF-style: chr3-78683126-C-T.
Other names: c.3305G>A, p.Gly1102Glu (NM_001145844.1, NM_133631.4); c.3140G>A, p.Gly1047Glu (NM_001145845.2); short protein forms G1147E, G1047E, G1102E.
Identifiers: ClinVar variation 2001267 (VCV002001267.4), dbSNP rs749266872, ClinGen allele CA2498358.
Genomic context (GRCh38, chr3:78,633,976, plus strand): 5'-TTTGGTTCATCTTACTTACCAGATGTACTACTGCCCCGGTCTGAGCTGTTGTAGGATCCT[C>T]CTGTGTTCTGGTCGTATGATTGGTTGTATGGGATAGTTGGAGGAACTGTGTCATTTGCTC-3'
Protein context (NP_002932.1, residues 1137-1157): PYNQSYDQNT[Gly1147Glu]GSYNSSDRGS